The following is an entry in ClinVar:

NM_005045.4(RELN):c.2009T>C (p.Ile670Thr)

Gene: RELN (reelin; minus strand). Cytogenetic location: 7q22.1.
Variant type: single nucleotide variant.
Coding change: c.2009T>C on transcript NM_005045.4 (MANE Select); coding-DNA position 2009, T replaced by C.
Protein change: p.Ile670Thr; replaces isoleucine 670 with threonine.
Molecular consequence: missense variant.
Genome position (GRCh38, 1-based): chr7:103,640,603, A>G on the plus strand (T>C on the coding strand, the complement: RELN is on the minus strand). VCF-style: chr7-103640603-A-G. GRCh37 (hg19) VCF-style: chr7-103281050-A-G.
Other names: c.2009T>C, p.Ile670Thr (NM_173054.3); c.2009T>C (NM_005045.3); short protein forms I670T.
Identifiers: ClinVar variation 1477027 (VCV001477027.7), dbSNP rs1832676819, ClinGen allele CA368762602.
Genomic context (GRCh38, chr7:103,640,603, plus strand): 5'-TTGCAACCATGTCTAGTGCACTGTCCTCTGCCAGAACAGAATTTGAGACATGACGGGCCA[A>G]TATAAACTGTGGGAGGGAAAAAGAGAACATAATTACAAAAACATAGAACACTACCAGTAC-3'
Protein context (NP_005036.2, residues 660-680): GNMWAIDNVY[Ile670Thr]GPSCLKFCSG

ClinVar aggregate classification (germline): Uncertain significance. Review status: criteria provided, multiple submitters, no conflicts (2 of 4 stars). 2 submissions from 2 submitters: Uncertain significance (2). Last evaluated 2025-03-15.

Conditions:
Familial temporal lobe epilepsy 7. Identifiers: Orphanet 101046, MedGen C4225327, MONDO:0014639, OMIM 616436.
Norman-Roberts syndrome (LIS2). Also called: Lissencephaly 2 (Norman-Roberts type). Identifiers: Orphanet 89844, MedGen C0796089, MONDO:0009760, OMIM 257320.
Inborn genetic diseases. Identifiers: MedGen C0950123, MeSH D030342.

Allele frequency attached by ClinVar (database versions not stated): gnomAD exomes below 0.00001.
gnomAD v4.1: 1 of 1,613,864 alleles (0.000062%); highest among the groups gnomAD compares: South Asian, 0.0011%; no homozygotes.

Submissions (2):

Ambry Genetics
Classification: Uncertain significance for Inborn genetic diseases. Last evaluated: 2025-03-15. Review status: criteria provided, single submitter. Criteria: Ambry Variant Classification Scheme 2023. Collection method: clinical testing. Allele origin: germline.

Labcorp Genetics (formerly Invitae), Labcorp
Classification: Uncertain significance for Familial temporal lobe epilepsy 7; Norman-Roberts syndrome. Last evaluated: 2022-07-05. Review status: criteria provided, single submitter. Criteria: Invitae Variant Classification Sherloc (09022015). Collection method: clinical testing. Allele origin: germline.
Comment: This sequence change replaces isoleucine, which is neutral and non-polar, with threonine, which is neutral and polar, at codon 670 of the RELN protein (p.Ile670Thr). This variant is not present in population databases (gnomAD no frequency). This variant has not been reported in the literature in individuals affected with RELN-related conditions. Algorithms developed to predict the effect of missense changes on protein structure and function are either unavailable or do not agree on the potential impact of this missense change (SIFT: "Deleterious"; PolyPhen-2: "Benign"; Align-GVGD: "Class C0"). ClinVar contains an entry for this variant (Variation ID: 1477027). In summary, the available evidence is currently insufficient to determine the role of this variant in disease. Therefore, it has been classified as a Variant of Uncertain Significance.